The following is an entry in ClinVar:

NM_001267550.2(TTN):c.53288-1G>C

Genes: TTN (titin; minus strand), TTN-AS1 (TTN antisense RNA 1; plus strand), LOC126806425 (BRD4-independent group 4 enhancer GRCh37_chr2:179471933-179473132; plus strand). Cytogenetic location: 2q31.2.
Variant type: single nucleotide variant.
Coding change: c.53288-1G>C on transcript NM_001267550.2 (MANE Select); the canonical splice acceptor site of the intron before coding-DNA position 53288, G replaced by C.
Molecular consequence: splice acceptor variant.
Genome position (GRCh38, 1-based): chr2:178,607,315, C>G on the plus strand (G>C on the coding strand, the complement: TTN is on the minus strand). VCF-style: chr2-178607315-C-G. GRCh37 (hg19) VCF-style: chr2-179472042-C-G.
Other names: c.26093-1G>C (NM_003319.4); c.26669-1G>C (NM_133437.4); c.26468-1G>C (NM_133432.3); c.45584-1G>C (NM_133378.4); c.48365-1G>C (NM_001256850.1).
Identifiers: ClinVar variation 518511 (VCV000518511.5), dbSNP rs1553685927, ClinGen allele CA349565409.
Genomic context (GRCh38, chr2:178,607,315, plus strand): 5'-GTAGACACATTTTTCTGTTTGTTACAACAGGTTTTAAGTCAAGAACTGGACCAGGGACAT[C>G]TGAAAACAAAACAAAGCCAAAAATCAATGTAATAAGATAGTATCACTTGGGAAAATCCTG-3'

ClinVar aggregate classification (germline): Likely pathogenic (1 of 4 stars; one submission).

Conditions:
Cardiovascular phenotype. Identifiers: MedGen CN230736.

Submission:

Ambry Genetics
Classification: Likely pathogenic for Cardiovascular phenotype. Last evaluated: 2019-04-24. Review status: criteria provided, single submitter. Criteria: Ambry Variant Classification Scheme 2023. Collection method: clinical testing. Allele origin: germline.
Comment: The c.26093-1G>C intronic variant results from a G to C substitution one nucleotide upstream from coding exon 105 of the TTN gene. Exon 105 is located in the A-band region of the N2-B isoform of the titin protein and is constitutively expressed in TTN transcripts (percent spliced in or PSI 100%). This nucleotide position is highly conserved in available vertebrate species. Using the BDGP and ESEfinder splice site prediction tools, this alteration is predicted to abolish the native splice acceptor site; however, direct evidence is unavailable. This alteration disrupts the canonical splice site and is expected to cause aberrant splicing, resulting in an abnormal protein or a transcript that is subject to nonsense-mediated mRNA decay. While loss of function variants in TTN are present in 1-3% of the general population, truncating variants (a category that includes canonical splice site variants) in the A-band are the most common cause of dilated cardiomyopathy (DCM) (Herman DS et al. N. Engl. J. Med., 2012 Feb;366:619-28; Roberts AM et al. Sci Transl Med, 2015 Jan;7:270ra6). TTN truncating variants encoded in constitutive exons (PSI >90%) have been found to be significantly associated with DCM regardless of their position in titin (Schafer S et al. Nat. Genet., 2017 01;49:46-53). As such, this alteration is classified as likely pathogenic.

Literature cited by the submitters: PubMed 22335739.